The following is an entry in ClinVar:

NM_007118.4(TRIO):c.6072C>G (p.Asp2024Glu)

Gene: TRIO (trio Rho guanine nucleotide exchange factor; plus strand). Cytogenetic location: 5p15.2.
Variant type: single nucleotide variant.
Coding change: c.6072C>G on transcript NM_007118.4 (MANE Select); coding-DNA position 6072, C replaced by G.
Protein change: p.Asp2024Glu; replaces aspartic acid 2024 with glutamic acid.
Molecular consequence: missense variant. On other transcripts: non-coding transcript variant (1).
Genome position (GRCh38, 1-based): chr5:14,474,086, C>G. VCF-style: chr5-14474086-C-G. GRCh37 (hg19) VCF-style: chr5-14474195-C-G.
Other names: short protein forms D2024E.
Identifiers: ClinVar variation 967423 (VCV000967423.10), dbSNP rs1754871642, ClinGen allele CA359230302.

ClinVar aggregate classification (germline): Uncertain significance (1 of 4 stars; one submission).

Submission:

Labcorp Genetics (formerly Invitae), Labcorp
Classification: Uncertain significance. Last evaluated: 2019-11-19. Review status: criteria provided, single submitter. Criteria: Invitae Variant Classification Sherloc (09022015). Collection method: clinical testing. Allele origin: germline.
Comment: In summary, the available evidence is currently insufficient to determine the role of this variant in disease. Therefore, it has been classified as a Variant of Uncertain Significance. Algorithms developed to predict the effect of missense changes on protein structure and function (SIFT, PolyPhen-2, Align-GVGD) all suggest that this variant is likely to be tolerated, but these predictions have not been confirmed by published functional studies and their clinical significance is uncertain. This variant has not been reported in the literature in individuals with TRIO-related conditions. This variant is not present in population databases (ExAC no frequency). This sequence change replaces aspartic acid with glutamic acid at codon 2024 of the TRIO protein (p.Asp2024Glu). The aspartic acid residue is moderately conserved and there is a small physicochemical difference between aspartic acid and glutamic acid.